The following is an entry in ClinVar:

ClinVar aggregate classification (germline): Uncertain significance. Review status: criteria provided, multiple submitters, no conflicts (2 of 4 stars). 5 submissions from 5 submitters: Uncertain significance (5). Last evaluated 2024-10-20.

Conditions:
Inborn genetic diseases. Identifiers: MedGen C0950123, MeSH D030342.
Usher syndrome type 1C. Also called: USHER SYNDROME, TYPE I, ACADIAN VARIETY. Identifiers: Orphanet 231169, Orphanet 886, MedGen C1848604, MONDO:0010171, OMIM 276904.

Allele frequency attached by ClinVar (database versions not stated): gnomAD exomes 0.00008; ExAC 0.00011; gnomAD 0.00013 and 0.00014; 1000 Genomes Project 30x 0.00016; 1000 Genomes Project 0.00020; TOPMed 0.00020.
gnomAD v4.1: 109 of 1,610,680 alleles (0.0068%); highest among the groups gnomAD compares: African/African-American, 0.039%; 1 homozygote.

Submissions (5):

Ambry Genetics
Classification: Uncertain significance for Inborn genetic diseases. Last evaluated: 2024-10-20. Review status: criteria provided, single submitter. Criteria: Ambry Variant Classification Scheme 2023. Collection method: clinical testing. Allele origin: germline.

Blueprint Genetics
Classification: Uncertain significance. Last evaluated: 2023-08-25. Review status: criteria provided, single submitter. Criteria: ACMG Guidelines, 2015. Collection method: clinical testing. Allele origin: germline.

Labcorp Genetics (formerly Invitae), Labcorp
Classification: Uncertain significance. Last evaluated: 2022-10-13. Review status: criteria provided, single submitter. Criteria: Invitae Variant Classification Sherloc (09022015). Collection method: clinical testing. Allele origin: germline.
Comment: This sequence change replaces arginine, which is basic and polar, with tryptophan, which is neutral and slightly polar, at codon 294 of the USH1C protein (p.Arg294Trp). This variant is present in population databases (rs555152976, gnomAD 0.06%), including at least one homozygous and/or hemizygous individual. This variant has not been reported in the literature in individuals affected with USH1C-related conditions. ClinVar contains an entry for this variant (Variation ID: 285118). Algorithms developed to predict the effect of missense changes on protein structure and function are either unavailable or do not agree on the potential impact of this missense change (SIFT: "Deleterious"; PolyPhen-2: "Probably Damaging"; Align-GVGD: "Class C0"). In summary, the available evidence is currently insufficient to determine the role of this variant in disease. Therefore, it has been classified as a Variant of Uncertain Significance.

Illumina Laboratory Services, Illumina
Classification: Uncertain significance for Usher syndrome type 1C. Last evaluated: 2018-03-16. Review status: criteria provided, single submitter. Criteria: ICSL Variant Classification Criteria 13 December 2019. Collection method: clinical testing. Allele origin: germline.

Eurofins Ntd Llc (ga)
Classification: Uncertain significance. Last evaluated: 2015-12-10. Review status: criteria provided, single submitter. Criteria: EGL Classification Definitions 2015. Collection method: clinical testing. Allele origin: germline. Observed: 1 variant allele, 1 heterozygote.

NM_153676.4(USH1C):c.880C>T (p.Arg294Trp)

Gene: USH1C (USH1 protein network component harmonin; minus strand). Cytogenetic location: 11p15.1.
Variant type: single nucleotide variant.
Coding change: c.880C>T on transcript NM_153676.4 (MANE Select); coding-DNA position 880, C replaced by T.
Protein change: p.Arg294Trp; replaces arginine 294 with tryptophan.
Molecular consequence: missense variant. On other transcripts: non-coding transcript variant (1).
Genome position (GRCh38, 1-based): chr11:17,522,923, G>A on the plus strand (C>T on the coding strand, the complement: USH1C is on the minus strand). VCF-style: chr11-17522923-G-A. GRCh37 (hg19) VCF-style: chr11-17544470-G-A.
Other names: c.823C>T, p.Arg275Trp (NM_001297764.2); c.880C>T, p.Arg294Trp (NM_005709.4); short protein forms R294W, R275W.
Identifiers: ClinVar variation 285118 (VCV000285118.12), dbSNP rs555152976, ClinGen allele CA5904801.